The following is an entry in ClinVar:

NM_001371928.1(AHDC1):c.2141G>C (p.Gly714Ala)

Gene: AHDC1 (AT-hook DNA binding motif containing 1; minus strand). Cytogenetic location: 1p36.11.
Variant type: single nucleotide variant.
Coding change: c.2141G>C on transcript NM_001371928.1 (MANE Select); coding-DNA position 2141, G replaced by C.
Protein change: p.Gly714Ala; replaces glycine 714 with alanine.
Molecular consequence: missense variant.
Genome position (GRCh38, 1-based): chr1:27,549,975, C>G on the plus strand (G>C on the coding strand, the complement: AHDC1 is on the minus strand). VCF-style: chr1-27549975-C-G. GRCh37 (hg19) VCF-style: chr1-27876486-C-G.
Other names: c.2141G>C (NM_001029882.2); c.2141G>C, p.Gly714Ala (NM_001029882.3); short protein forms G714A.
Identifiers: ClinVar variation 1988670 (VCV001988670.5), dbSNP rs752363855, ClinGen allele CA715826.

ClinVar aggregate classification (germline): Conflicting classifications of pathogenicity. Review status: criteria provided, conflicting classifications (1 of 4 stars). 2 submissions from 2 submitters: Uncertain significance (1); Likely benign (1). Last evaluated 2025-09-05.

Conditions:
Inborn genetic diseases. Identifiers: MedGen C0950123, MeSH D030342.

Allele frequency attached by ClinVar (database versions not stated): ExAC 0.00003.
gnomAD v4.1: 14 of 1,603,796 alleles (0.00087%); highest among the groups gnomAD compares: Admixed American, 0.0085%; no homozygotes.

Submissions (2):

Labcorp Genetics (formerly Invitae), Labcorp
Classification: Uncertain significance. Last evaluated: 2025-09-05. Review status: criteria provided, single submitter. Criteria: Invitae Variant Classification Sherloc (09022015). Collection method: clinical testing. Allele origin: germline.
Comment: This sequence change replaces glycine, which is neutral and non-polar, with alanine, which is neutral and non-polar, at codon 714 of the AHDC1 protein (p.Gly714Ala). This variant is present in population databases (rs752363855, gnomAD 0.01%). This variant has not been reported in the literature in individuals affected with AHDC1-related conditions. ClinVar contains an entry for this variant (Variation ID: 1988670). An algorithm developed to predict the effect of missense changes on protein structure and function outputs the following: PolyPhen-2: "Benign". The alanine amino acid residue is found in multiple mammalian species, which suggests that this missense change does not adversely affect protein function. In summary, the available evidence is currently insufficient to determine the role of this variant in disease. Therefore, it has been classified as a Variant of Uncertain Significance.

Ambry Genetics
Classification: Likely benign for Inborn genetic diseases. Last evaluated: 2023-10-05. Review status: criteria provided, single submitter. Criteria: Ambry Variant Classification Scheme 2023. Collection method: clinical testing. Allele origin: germline.